The following is an entry in ClinVar:

ClinVar aggregate classification (germline): Uncertain significance (1 of 4 stars; one submission).

Conditions:
Immunodeficiency-centromeric instability-facial anomalies syndrome 2 (ICF2). Identifiers: Orphanet 2268, MedGen C3279748, MONDO:0013553, OMIM 614069.

Allele frequency attached by ClinVar (database versions not stated): ExAC 0.00001; gnomAD 0.00001; gnomAD exomes 0.00001.
gnomAD v4.1: 6 of 1,614,140 alleles (0.00037%); highest among the groups gnomAD compares: South Asian, 0.0022%; no homozygotes.

Submission:

Labcorp Genetics (formerly Invitae), Labcorp
Classification: Uncertain significance for Immunodeficiency-centromeric instability-facial anomalies syndrome 2. Last evaluated: 2022-02-19. Review status: criteria provided, single submitter. Criteria: Invitae Variant Classification Sherloc (09022015). Collection method: clinical testing. Allele origin: germline.
Comment: This sequence change replaces asparagine, which is neutral and polar, with serine, which is neutral and polar, at codon 169 of the ZBTB24 protein (p.Asn169Ser). This variant is present in population databases (rs748401884, gnomAD 0.008%). This variant has not been reported in the literature in individuals affected with ZBTB24-related conditions. Algorithms developed to predict the effect of missense changes on protein structure and function output the following: SIFT: "Not Available"; PolyPhen-2: "Benign"; Align-GVGD: "Not Available". The serine amino acid residue is found in multiple mammalian species, which suggests that this missense change does not adversely affect protein function. In summary, the available evidence is currently insufficient to determine the role of this variant in disease. Therefore, it has been classified as a Variant of Uncertain Significance.

NM_014797.3(ZBTB24):c.506A>G (p.Asn169Ser)

Gene: ZBTB24 (zinc finger and BTB domain containing 24; minus strand). Cytogenetic location: 6q21.
Variant type: single nucleotide variant.
Coding change: c.506A>G on transcript NM_014797.3 (MANE Select); coding-DNA position 506, A replaced by G.
Protein change: p.Asn169Ser; replaces asparagine 169 with serine.
Molecular consequence: missense variant.
Genome position (GRCh38, 1-based): chr6:109,481,521, T>C on the plus strand (A>G on the coding strand, the complement: ZBTB24 is on the minus strand). VCF-style: chr6-109481521-T-C. GRCh37 (hg19) VCF-style: chr6-109802724-T-C.
Other names: c.506A>G, p.Asn169Ser (NM_001164313.2); short protein forms N169S.
Identifiers: ClinVar variation 2092833 (VCV002092833.1), dbSNP rs748401884, ClinGen allele CA3954329.